The following is an entry in ClinVar:

ClinVar aggregate classification (germline): Uncertain significance (1 of 4 stars; one submission).

Submissions (2):

Mayo Clinic Laboratories, Mayo Clinic
Classification: Uncertain significance. Last evaluated: 2025-04-21. Review status: criteria provided, single submitter. Criteria: ACMG Guidelines, 2015. Collection method: clinical testing. Allele origin: germline. Observed: 1 variant allele.
Comment: PP3, PM2_supporting

Dr. Peter K. Rogan Lab, Western University
No classification provided (evidence only). Condition: Lung cancer. Review status: no classification provided. Collection method: in vitro. Allele origin: not applicable. Functional consequence: retained intron. Not counted in ClinVar's aggregate classification.

NM_000053.4(ATP7B):c.1507G>T (p.Val503Leu)

Gene: ATP7B (ATPase copper transporting beta; minus strand). Cytogenetic location: 13q14.3.
Variant type: single nucleotide variant.
Coding change: c.1507G>T on transcript NM_000053.4 (MANE Select); coding-DNA position 1507, G replaced by T.
Protein change: p.Val503Leu; replaces valine 503 with leucine.
Molecular consequence: missense variant. On other transcripts: intron variant (1).
Genome position (GRCh38, 1-based): chr13:51,970,528, C>A on the plus strand (G>T on the coding strand, the complement: ATP7B is on the minus strand). VCF-style: chr13-51970528-C-A. GRCh37 (hg19) VCF-style: chr13-52544664-C-A.
Other names: NC_000013.10:g.52544664C>A; p.Val503Leu; c.1507G>T, p.Val503Leu (NM_001406532.1, NM_001406534.1, NM_001406535.1 and 28 more transcripts); c.1411G>T, p.Val471Leu (NM_001406536.1, NM_001406517.1, NM_001406518.1 and 3 more transcripts); c.1078G>T, p.Val360Leu (NM_001406539.1); c.1174G>T, p.Val392Leu (NM_001243182.2); c.1285+3407G>T (NM_001406548.1); short protein forms V392L, V471L, V360L, V503L.
Identifiers: ClinVar variation 4393162 (VCV004393162.2).